The following is an entry in ClinVar:

ClinVar aggregate classification (germline): Uncertain significance (1 of 4 stars; one submission).

Conditions:
Fanconi anemia (FA). Also called: Fanconi's anemia. Identifiers: Orphanet 84, MedGen C0015625, MeSH D005199, MONDO:0019391.

Submission:

Labcorp Genetics (formerly Invitae), Labcorp
Classification: Uncertain significance for Fanconi anemia. Last evaluated: 2021-06-28. Review status: criteria provided, single submitter. Criteria: Invitae Variant Classification Sherloc (09022015). Collection method: clinical testing. Allele origin: germline.
Comment: This variant is not present in population databases (ExAC no frequency). This variant, c.5305_5322dup, results in the insertion of 6 amino acid(s) to the SLX4 protein (p.Lys1769_Gln1774dup), but otherwise preserves the integrity of the reading frame. This variant has not been reported in the literature in individuals affected with SLX4-related conditions. Algorithms developed to predict the effect of sequence changes on RNA splicing suggest that this variant may create or strengthen a splice site. In summary, the available evidence is currently insufficient to determine the role of this variant in disease. Therefore, it has been classified as a Variant of Uncertain Significance.

NM_032444.4(SLX4):c.5305_5322dup (p.Lys1769_Gln1774dup)

Gene: SLX4 (SLX4 structure-specific endonuclease subunit; minus strand). Cytogenetic location: 16p13.3.
Variant type: Duplication.
Coding change: c.5305_5322dup on transcript NM_032444.4 (MANE Select); coding-DNA positions 5305 to 5322, 18 bases duplicated (AAGGTGCTGCTGTACCAG).
Protein change: p.Lys1769_Gln1774dup.
Molecular consequence: inframe insertion.
Genome position (GRCh38, 1-based): chr16:3,582,525-3,582,542, CTGGTACAGCAGCACCTT duplicated on the plus strand (AAGGTGCTGCTGTACCAG on the coding strand, the reverse complement: SLX4 is on the minus strand); duplicating any 18 consecutive bases within chr16:3,582,525-3,582,551 gives the same sequence; the c. name uses the placement nearest the transcript's 3' end. VCF-style (leftmost placement, unchanged base first): chr16-3582524-G-GCTGGTACAGCAGCACCTT. GRCh37 (hg19) VCF-style: chr16-3632525-G-GCTGGTACAGCAGCACCTT.
Identifiers: ClinVar variation 1348875 (VCV001348875.8), dbSNP rs2151115686, ClinGen allele CA2503841426.